The following is an entry in ClinVar:

NM_006133.3(DAGLA):c.2661C>T (p.Gly887=)

Gene: DAGLA (diacylglycerol lipase alpha; plus strand). Cytogenetic location: 11q12.2.
Variant type: single nucleotide variant.
Coding change: c.2661C>T on transcript NM_006133.3 (MANE Select); coding-DNA position 2661, C replaced by T.
Protein change: p.Gly887=; no amino-acid change (glycine 887 retained).
Molecular consequence: synonymous variant.
Genome position (GRCh38, 1-based): chr11:61,744,021, C>T. VCF-style: chr11-61744021-C-T. GRCh37 (hg19) VCF-style: chr11-61511493-C-T.
Identifiers: ClinVar variation 3040716 (VCV003040716.2), dbSNP rs552427376, ClinGen allele CA6037240.

ClinVar aggregate classification (germline): Likely benign (0 of 4 stars; one submission).

Conditions:
DAGLA-related disorder. Also called: DAGLA-related condition.

Allele frequency attached by ClinVar (database versions not stated): ExAC 0.00001.
gnomAD v4.1: 67 of 1,611,974 alleles (0.0042%); highest among the groups gnomAD compares: Non-Finnish European, 0.0053%; 2 homozygotes.

Submission:

PreventionGenetics, part of Exact Sciences
Classification: Likely benign for DAGLA-related condition. Last evaluated: 2019-09-13. Review status: no assertion criteria provided. Collection method: clinical testing. Allele origin: germline.
Comment: This variant is classified as likely benign based on ACMG/AMP sequence variant interpretation guidelines (Richards et al. 2015 PMID: 25741868, with internal and published modifications).